The following is an entry in ClinVar:

NM_138694.4(PKHD1):c.8003G>A (p.Cys2668Tyr)

Gene: PKHD1 (PKHD1 ciliary IPT domain containing fibrocystin/polyductin; minus strand). Cytogenetic location: 6p12.2.
Variant type: single nucleotide variant.
Coding change: c.8003G>A on transcript NM_138694.4 (MANE Select); coding-DNA position 8003, G replaced by A.
Protein change: p.Cys2668Tyr; replaces cysteine 2668 with tyrosine.
Molecular consequence: missense variant.
Genome position (GRCh38, 1-based): chr6:51,847,879, C>T on the plus strand (G>A on the coding strand, the complement: PKHD1 is on the minus strand). VCF-style: chr6-51847879-C-T. GRCh37 (hg19) VCF-style: chr6-51712677-C-T.
Other names: c.8003G>A, p.Cys2668Tyr (NM_170724.3); short protein forms C2668Y.
Identifiers: ClinVar variation 3347295 (VCV003347295.3).

ClinVar aggregate classification (germline): Uncertain significance. Review status: criteria provided, single submitter (1 of 4 stars). 2 submissions from 2 submitters: Uncertain significance (1). 1 of the submissions does not count toward it.

Conditions:
Polycystic kidney disease 4 (PKD4). Also called: Autosomal Recessive Polycystic Kidney Disease – PKHD1; POLYCYSTIC KIDNEY AND HEPATIC DISEASE 1; POLYCYSTIC KIDNEY DISEASE, INFANTILE, TYPE I; POLYCYSTIC KIDNEY DISEASE 4 WITH OR WITHOUT POLYCYSTIC LIVER DISEASE; PKD3. Identifiers: MedGen C4540575, MONDO:0033004, OMIM 263200.
PKHD1-related disorder. Also called: PKHD1-related condition.

Submissions (2):

Juno Genomics, Hangzhou Juno Genomics, Inc
Classification: Uncertain significance for Polycystic kidney disease 4. Review status: criteria provided, single submitter. Criteria: ACMG Guidelines, 2015. Collection method: clinical testing. Allele origin: germline.
Comment: Absent from controls (or at extremely low frequency if recessive) in Genome Aggregation Database.;Multiple lines of computational evidence support a deleterious effect on the gene or gene product.

PreventionGenetics, part of Exact Sciences
Classification: Uncertain significance for PKHD1-related condition. Last evaluated: 2024-04-01. Review status: no assertion criteria provided. Collection method: clinical testing. Allele origin: germline. Not counted in ClinVar's aggregate classification.
Comment: The PKHD1 c.8003G>A variant is predicted to result in the amino acid substitution p.Cys2668Tyr. To our knowledge, this variant has not been reported in the literature or in a large population database, indicating this variant is rare. At this time, the clinical significance of this variant is uncertain due to the absence of conclusive functional and genetic evidence.